The following is an entry in ClinVar:

ClinVar aggregate classification (germline): Uncertain significance. Review status: criteria provided, single submitter (1 of 4 stars). 2 submissions from 2 submitters: Uncertain significance (1). 1 of the submissions does not count toward it. Last evaluated 2025-08-09.

Conditions:
DNAH10-related disorder. Also called: DNAH10-related condition.

Allele frequency attached by ClinVar (database versions not stated): TOPMed 0.00022; ESP Exome Variant Server 0.00025; 1000 Genomes Project 30x 0.00031; 1000 Genomes Project 0.00040; gnomAD exomes 0.00045; gnomAD 0.00057; ExAC 0.00081.

Submissions (2):

Ambry Genetics
Classification: Uncertain significance. Last evaluated: 2025-08-09. Review status: criteria provided, single submitter. Criteria: Ambry Variant Classification Scheme 2023. Collection method: clinical testing. Allele origin: germline.

PreventionGenetics, part of Exact Sciences
Classification: Likely benign for DNAH10-related condition. Last evaluated: 2019-10-18. Review status: no assertion criteria provided. Collection method: clinical testing. Allele origin: germline. Not counted in ClinVar's aggregate classification.
Comment: This variant is classified as likely benign based on ACMG/AMP sequence variant interpretation guidelines (Richards et al. 2015 PMID: 25741868, with internal and published modifications).

NM_001372106.1(DNAH10):c.304C>T (p.Arg102Cys)

Gene: DNAH10 (dynein axonemal heavy chain 10; plus strand). Cytogenetic location: 12q24.31.
Variant type: single nucleotide variant.
Coding change: c.304C>T on transcript NM_001372106.1 (MANE Select); coding-DNA position 304, C replaced by T.
Protein change: p.Arg102Cys; replaces arginine 102 with cysteine.
Molecular consequence: missense variant.
Genome position (GRCh38, 1-based): chr12:123,771,606, C>T. VCF-style: chr12-123771606-C-T. GRCh37 (hg19) VCF-style: chr12-124256153-C-T.
Other names: c.121C>T, p.Arg41Cys (NM_001083900.1, NM_207437.3); short protein forms R102C, R41C.
Identifiers: ClinVar variation 3049615 (VCV003049615.3), dbSNP rs200881150, ClinGen allele CA6862382.